The following is an entry in ClinVar:

NM_201384.3(PLEC):c.1613G>A (p.Arg538His)

Gene: PLEC (plectin; minus strand). Cytogenetic location: 8q24.3.
Variant type: single nucleotide variant.
Coding change: c.1613G>A on transcript NM_201384.3 (MANE Select); coding-DNA position 1613, G replaced by A.
Protein change: p.Arg538His; replaces arginine 538 with histidine.
Molecular consequence: missense variant.
Genome position (GRCh38, 1-based): chr8:143,932,917, C>T on the plus strand (G>A on the coding strand, the complement: PLEC is on the minus strand). VCF-style: chr8-143932917-C-T. GRCh37 (hg19) VCF-style: chr8-145007085-C-T.
Other names: c.1694G>A, p.Arg565His (NM_000445.5); c.1571G>A, p.Arg524His (NM_201378.4); c.1547G>A, p.Arg516His (NM_201379.3); c.2024G>A, p.Arg675His (NM_201380.4); c.1517G>A, p.Arg506His (NM_201381.3); c.1613G>A, p.Arg538His (NM_201382.4); c.1625G>A, p.Arg542His (NM_201383.3); c.1694G>A (NM_000445.3); short protein forms R506H, R524H, R516H, R542H, R565H, R538H, R675H.
Identifiers: ClinVar variation 971191 (VCV000971191.12), dbSNP rs200864968, ClinGen allele CA4927915.

ClinVar aggregate classification (germline): Conflicting classifications of pathogenicity. Review status: criteria provided, conflicting classifications (1 of 4 stars). 4 submissions from 4 submitters: Uncertain significance (3); Likely benign (1). Last evaluated 2026-09-30.

Conditions:
PLEC-related disorder. Also called: PLEC-related condition; PLEC-related disorders.
Epidermolysis bullosa simplex 5B, with muscular dystrophy (EBS5B). Also called: Epidermolysis bullosa simplex with muscular dystrophy; EPIDERMOLYSIS BULLOSA SIMPLEX AND LIMB-GIRDLE MUSCULAR DYSTROPHY. Identifiers: Orphanet 257, MedGen C2931072, MONDO:0009181, OMIM 226670.
Epidermolysis bullosa simplex with nail dystrophy (EBS5D). Identifiers: MedGen C4225309, MONDO:0014661, OMIM 616487.
Epidermolysis bullosa simplex 5C, with pyloric atresia (EBS5C). Also called: PLEC-Related Epidermolysis Bullosa with Pyloric Atresia; Epidermolysis bullosa simplex with pyloric atresia; PLEC1-Related Epidermolysis Bullosa with Pyloric Atresia. Identifiers: Orphanet 158684, MedGen C2677349, MONDO:0012807, OMIM 612138.
Epidermolysis bullosa simplex, Ogna type (EBS5A). Also called: Pidermolysis bullosa simplex 5A, Ogna type; EPIDERMOLYSIS BULLOSA SIMPLEX 5A, OGNA TYPE. Identifiers: Orphanet 79401, MedGen C0432317, MONDO:0007555, OMIM 131950.
Autosomal recessive limb-girdle muscular dystrophy type 2Q (LGMDR17). Also called: MUSCULAR DYSTROPHY, LIMB-GIRDLE, AUTOSOMAL RECESSIVE 17. Identifiers: Orphanet 254361, MedGen C3150989, MONDO:0013390, OMIM 613723.

Allele frequency attached by ClinVar (database versions not stated): ExAC 0.00004; 1000 Genomes Project 30x 0.00031; gnomAD exomes 0.00007 and 0.00016; gnomAD 0.00021; TOPMed 0.00012; 1000 Genomes Project 0.00020.
gnomAD v4.1: 255 of 1,612,638 alleles (0.016%); highest among the groups gnomAD compares: Admixed American, 0.057%; no homozygotes.

Submissions (4):

GeneDx
Classification: Uncertain significance. Last evaluated: 2026-09-30. Review status: criteria provided, single submitter. Criteria: GeneDx Variant Classification Process June 2021. Collection method: clinical testing. Allele origin: germline.
Comment: In silico analysis supports that this missense variant has a deleterious effect on protein structure/function; Missense variant in a gene in which most reported pathogenic variants are truncating/loss of function; Has not been previously published as pathogenic or benign to our knowledge; Reported using an alternate transcript of the gene

Labcorp Genetics (formerly Invitae), Labcorp
Classification: Uncertain significance for Autosomal recessive limb-girdle muscular dystrophy type 2Q; Epidermolysis bullosa simplex, Ogna type; Epidermolysis bullosa simplex with nail dystrophy; Epidermolysis bullosa simplex 5C, with pyloric atresia; Epidermolysis bullosa simplex 5B, with muscular dystrophy. Last evaluated: 2025-08-18. Review status: criteria provided, single submitter. Criteria: Invitae Variant Classification Sherloc (09022015). Collection method: clinical testing. Allele origin: germline.
Comment: This sequence change replaces arginine, which is basic and polar, with histidine, which is basic and polar, at codon 565 of the PLEC protein (p.Arg565His). This variant is present in population databases (rs200864968, gnomAD 0.03%). This variant has not been reported in the literature in individuals affected with PLEC-related conditions. ClinVar contains an entry for this variant (Variation ID: 971191). Invitae Evidence Modeling of protein sequence and biophysical properties (such as structural, functional, and spatial information, amino acid conservation, physicochemical variation, residue mobility, and thermodynamic stability) indicates that this missense variant is not expected to disrupt PLEC protein function with a negative predictive value of 80%. In summary, the available evidence is currently insufficient to determine the role of this variant in disease. Therefore, it has been classified as a Variant of Uncertain Significance.

PreventionGenetics, part of Exact Sciences
Classification: Likely benign for PLEC-related condition. Last evaluated: 2025-04-02. Review status: criteria provided, single submitter. Criteria: ACMG Guidelines, 2015. Collection method: clinical testing. Allele origin: germline.
Comment: This variant is classified as likely benign based on ACMG/AMP sequence variant interpretation guidelines (Richards et al. 2015 PMID: 25741868, with internal and published modifications).

Revvity Omics, Revvity
Classification: Uncertain significance. Last evaluated: 2021-12-03. Review status: criteria provided, single submitter. Criteria: ACMG Guidelines, 2015. Collection method: clinical testing. Allele origin: germline.